The following is an entry in ClinVar:

ClinVar aggregate classification (germline): Uncertain significance (1 of 4 stars; one submission).

Conditions:
Cardiovascular phenotype. Identifiers: MedGen CN230736.

gnomAD v4.1: 3 of 1,613,762 alleles (0.00019%); highest among the groups gnomAD compares: South Asian, 0.0011%; no homozygotes.

Submission:

Ambry Genetics
Classification: Uncertain significance for Cardiovascular phenotype. Last evaluated: 2025-12-24. Review status: criteria provided, single submitter. Criteria: Ambry Variant Classification Scheme 2023. Collection method: clinical testing. Allele origin: germline.
Comment: The p.R993H variant (also known as c.2978G>A), located in coding exon 20 of the VCL gene, results from a G to A substitution at nucleotide position 2978. The arginine at codon 993 is replaced by histidine, an amino acid with highly similar properties. This amino acid position is conserved. In addition, the in silico prediction for this alteration is inconclusive. Based on the available evidence, the clinical significance of this variant remains unclear.

NM_014000.3(VCL):c.2978G>A (p.Arg993His)

Gene: VCL (vinculin; plus strand). Cytogenetic location: 10q22.2.
Variant type: single nucleotide variant.
Coding change: c.2978G>A on transcript NM_014000.3 (MANE Select); coding-DNA position 2978, G replaced by A.
Protein change: p.Arg993His; replaces arginine 993 with histidine.
Molecular consequence: missense variant.
Genome position (GRCh38, 1-based): chr10:74,114,212, G>A. VCF-style: chr10-74114212-G-A. GRCh37 (hg19) VCF-style: chr10-75873970-G-A.
Other names: c.2774G>A, p.Arg925His (NM_003373.4); short protein forms R993H, R925H.
Identifiers: ClinVar variation 4842809 (VCV004842809.1).